The following is an entry in ClinVar:

ClinVar aggregate classification (germline): Uncertain significance (1 of 4 stars; one submission).

gnomAD v4.1: 2 of 1,614,054 alleles (0.00012%); highest among the groups gnomAD compares: Non-Finnish European, 0.00017%; no homozygotes.

Submission:

Ambry Genetics
Classification: Uncertain significance. Last evaluated: 2024-12-09. Review status: criteria provided, single submitter. Criteria: Ambry Variant Classification Scheme 2023. Collection method: clinical testing. Allele origin: germline.
Comment: The p.G735R variant (also known as c.2203G>C), located in coding exon 1 of the MLH3 gene, results from a G to C substitution at nucleotide position 2203. The glycine at codon 735 is replaced by arginine, an amino acid with dissimilar properties. This amino acid position is conserved. In addition, this alteration is predicted to be tolerated by in silico analysis. Since supporting evidence is limited at this time, the clinical significance of this alteration remains unclear.

NM_001040108.2(MLH3):c.2203G>C (p.Gly735Arg)

Gene: MLH3 (mutL homolog 3; minus strand). Cytogenetic location: 14q24.3.
Variant type: single nucleotide variant.
Coding change: c.2203G>C on transcript NM_001040108.2 (MANE Select); coding-DNA position 2203, G replaced by C.
Protein change: p.Gly735Arg; replaces glycine 735 with arginine.
Molecular consequence: missense variant.
Genome position (GRCh38, 1-based): chr14:75,047,453, C>G on the plus strand (G>C on the coding strand, the complement: MLH3 is on the minus strand). VCF-style: chr14-75047453-C-G. GRCh37 (hg19) VCF-style: chr14-75514156-C-G.
Other names: c.2203G>C, p.Gly735Arg (NM_014381.3); short protein forms G735R.
Identifiers: ClinVar variation 1787667 (VCV001787667.3), dbSNP rs747325097, ClinGen allele CA263648493.